The following is an entry in ClinVar:

ClinVar aggregate classification (germline): Likely benign (1 of 4 stars; one submission).

Submission:

CeGaT Center for Human Genetics Tuebingen
Classification: Likely benign. Last evaluated: 2023-07-01. Review status: criteria provided, single submitter. Criteria: CeGaT Center For Human Genetics Tuebingen Variant Classification Criteria Version 2. Collection method: clinical testing. Allele origin: germline. Affected: yes. Observed: 1 variant allele.
Comment: CPLANE1: PM2:Supporting, BP4, BP7

NM_001384732.1(CPLANE1):c.8745T>G (p.Val2915=)

Gene: CPLANE1 (ciliogenesis and planar polarity effector complex subunit 1; minus strand). Cytogenetic location: 5p13.2.
Variant type: single nucleotide variant.
Coding change: c.8745T>G on transcript NM_001384732.1 (MANE Select); coding-DNA position 8745, T replaced by G.
Protein change: p.Val2915=; no amino-acid change (valine 2915 retained).
Molecular consequence: synonymous variant.
Genome position (GRCh38, 1-based): chr5:37,138,767, A>C on the plus strand (T>G on the coding strand, the complement: CPLANE1 is on the minus strand). VCF-style: chr5-37138767-A-C. GRCh37 (hg19) VCF-style: chr5-37138869-A-C.
Other names: c.8583T>G, p.Val2861= (NM_023073.4).
Identifiers: ClinVar variation 2655428 (VCV002655428.24), dbSNP rs2546977580, ClinGen allele CA443924052.